The following is an entry in ClinVar:

ClinVar aggregate classification (germline): Benign/Likely benign. Review status: criteria provided, multiple submitters, no conflicts (2 of 4 stars). 2 submissions from 2 submitters: Benign (1); Likely benign (1). Last evaluated 2026-02-01.

Allele frequency attached by ClinVar (database versions not stated): ESP Exome Variant Server 0.00031; TOPMed 0.00074; 1000 Genomes Project 30x 0.00141; gnomAD exomes 0.00146 and 0.00328; 1000 Genomes Project 0.00180; gnomAD 0.00228 and 0.00231; ExAC 0.00340.

Submissions (2):

Labcorp Genetics (formerly Invitae), Labcorp
Classification: Benign. Last evaluated: 2026-02-01. Review status: criteria provided, single submitter. Criteria: Invitae Variant Classification Sherloc (09022015). Collection method: clinical testing. Allele origin: germline.

CeGaT Center for Human Genetics Tuebingen
Classification: Likely benign. Last evaluated: 2025-09-01. Review status: criteria provided, single submitter. Criteria: CeGaT Center For Human Genetics Tuebingen Variant Classification Criteria Version 2. Collection method: clinical testing. Allele origin: germline. Affected: yes. Observed: 6 variant alleles.
Comment: PTPN23: BP4, BP7

NM_015466.4(PTPN23):c.1113G>A (p.Leu371=)

Gene: PTPN23 (protein tyrosine phosphatase non-receptor type 23; plus strand). Cytogenetic location: 3p21.31.
Variant type: single nucleotide variant.
Coding change: c.1113G>A on transcript NM_015466.4 (MANE Select); coding-DNA position 1113, G replaced by A.
Protein change: p.Leu371=; no amino-acid change (leucine 371 retained).
Molecular consequence: synonymous variant.
Genome position (GRCh38, 1-based): chr3:47,407,806, G>A. VCF-style: chr3-47407806-G-A. GRCh37 (hg19) VCF-style: chr3-47449296-G-A.
Other names: c.735G>A, p.Leu245= (NM_001304482.2).
Identifiers: ClinVar variation 1584797 (VCV001584797.33), dbSNP rs143729247, ClinGen allele CA2365624.
Genomic context (GRCh38, chr3:47,407,806, plus strand): 5'-TACAGGCCCTGACATCTTTGCCAAACTGGTACCCATGGCTGCCCACGAGGCCTCGTCACT[G>A]TACAGGTGGGTGGAGGGTGGCACAGAGGGAGGTGGGGTGTCTTGAGATGTGGGTCTTCAG-3'
Protein context (NP_056281.1, residues 361-381): VPMAAHEASS[Leu371=]YSEEKAKLLR